The following is an entry in ClinVar:

NM_004525.3(LRP2):c.11888A>G (p.Asn3963Ser)

Gene: LRP2 (LDL receptor related protein 2; minus strand). Cytogenetic location: 2q31.1.
Variant type: single nucleotide variant.
Coding change: c.11888A>G on transcript NM_004525.3 (MANE Select); coding-DNA position 11888, A replaced by G.
Protein change: p.Asn3963Ser; replaces asparagine 3963 with serine.
Molecular consequence: missense variant.
Genome position (GRCh38, 1-based): chr2:169,157,502, T>C on the plus strand (A>G on the coding strand, the complement: LRP2 is on the minus strand). VCF-style: chr2-169157502-T-C. GRCh37 (hg19) VCF-style: chr2-170014012-T-C.
Other names: short protein forms N3963S.
Identifiers: ClinVar variation 1506076 (VCV001506076.6), dbSNP rs2105363219, ClinGen allele CA349138509.

ClinVar aggregate classification (germline): Uncertain significance (1 of 4 stars; one submission).

Allele frequency attached by ClinVar (database versions not stated): gnomAD exomes below 0.00001.
gnomAD v4.1: 3 of 1,612,586 alleles (0.00019%); highest among the groups gnomAD compares: African/African-American, 0.0013%; no homozygotes.

Submission:

Labcorp Genetics (formerly Invitae), Labcorp
Classification: Uncertain significance. Last evaluated: 2022-03-09. Review status: criteria provided, single submitter. Criteria: Invitae Variant Classification Sherloc (09022015). Collection method: clinical testing. Allele origin: germline.
Comment: In summary, the available evidence is currently insufficient to determine the role of this variant in disease. Therefore, it has been classified as a Variant of Uncertain Significance. Algorithms developed to predict the effect of sequence changes on RNA splicing suggest that this variant may create or strengthen a splice site. Algorithms developed to predict the effect of missense changes on protein structure and function (SIFT, PolyPhen-2, Align-GVGD) all suggest that this variant is likely to be tolerated. This variant has not been reported in the literature in individuals affected with LRP2-related conditions. This variant is not present in population databases (gnomAD no frequency). This sequence change replaces asparagine, which is neutral and polar, with serine, which is neutral and polar, at codon 3963 of the LRP2 protein (p.Asn3963Ser).